The following is an entry in ClinVar:

NM_025265.4(TSEN2):c.1355G>A (p.Arg452Gln)

Gene: TSEN2 (tRNA splicing endonuclease subunit 2; plus strand). Cytogenetic location: 3p25.2.
Variant type: single nucleotide variant.
Coding change: c.1355G>A on transcript NM_025265.4 (MANE Select); coding-DNA position 1355, G replaced by A.
Protein change: p.Arg452Gln; replaces arginine 452 with glutamine.
Molecular consequence: missense variant. On other transcripts: non-coding transcript variant (1), intron variant (1).
Genome position (GRCh38, 1-based): chr3:12,532,678, G>A. VCF-style: chr3-12532678-G-A. GRCh37 (hg19) VCF-style: chr3-12574177-G-A.
Other names: c.1355G>A, p.Arg452Gln (NM_001145392.2, NM_001321277.2); c.1277G>A, p.Arg426Gln (NM_001145393.3, NM_001321279.2); c.1178G>A, p.Arg393Gln (NM_001145394.2); c.1338+1019G>A (NM_001321278.2); short protein forms R393Q, R426Q, R452Q.
Identifiers: ClinVar variation 1514173 (VCV001514173.6), dbSNP rs773082232, ClinGen allele CA2258845.

ClinVar aggregate classification (germline): Uncertain significance (1 of 4 stars; one submission).

Allele frequency attached by ClinVar (database versions not stated): ExAC 0.00001; gnomAD exomes 0.00001; TOPMed 0.00001.
gnomAD v4.1: 11 of 1,614,088 alleles (0.00068%); highest among the groups gnomAD compares: South Asian, 0.0033%; no homozygotes.

Submission:

Labcorp Genetics (formerly Invitae), Labcorp
Classification: Uncertain significance. Last evaluated: 2025-10-10. Review status: criteria provided, single submitter. Criteria: Invitae Variant Classification Sherloc (09022015). Collection method: clinical testing. Allele origin: germline.
Comment: This sequence change replaces arginine, which is basic and polar, with glutamine, which is neutral and polar, at codon 452 of the TSEN2 protein (p.Arg452Gln). This variant is present in population databases (rs773082232, gnomAD 0.006%). This variant has not been reported in the literature in individuals affected with TSEN2-related conditions. ClinVar contains an entry for this variant (Variation ID: 1514173). Invitae Evidence Modeling of protein sequence and biophysical properties (such as structural, functional, and spatial information, amino acid conservation, physicochemical variation, residue mobility, and thermodynamic stability) indicates that this missense variant is expected to disrupt TSEN2 protein function with a positive predictive value of 80%. Algorithms developed to predict the effect of sequence changes on RNA splicing suggest that this variant may disrupt the consensus splice site. In summary, the available evidence is currently insufficient to determine the role of this variant in disease. Therefore, it has been classified as a Variant of Uncertain Significance.